The following is an entry in ClinVar:

NM_052947.4(ALPK2):c.4133A>G (p.Glu1378Gly)

Genes: ALPK2 (alpha kinase 2; minus strand), LOC126862764 (BRD4-independent group 4 enhancer GRCh37_chr18:56202574-56203773; plus strand). Cytogenetic location: 18q21.31.
Variant type: single nucleotide variant.
Coding change: c.4133A>G on transcript NM_052947.4 (MANE Select); coding-DNA position 4133, A replaced by G.
Protein change: p.Glu1378Gly; replaces glutamic acid 1378 with glycine.
Molecular consequence: missense variant.
Genome position (GRCh38, 1-based): chr18:58,536,054, T>C on the plus strand (A>G on the coding strand, the complement: ALPK2 is on the minus strand). VCF-style: chr18-58536054-T-C. GRCh37 (hg19) VCF-style: chr18-56203286-T-C.
Other names: short protein forms E1378G.
Identifiers: ClinVar variation 3289276 (VCV003289276.1).

ClinVar aggregate classification (germline): Uncertain significance (1 of 4 stars; one submission).

gnomAD v4.1: 1 of 1,614,104 alleles (0.000062%); highest among the groups gnomAD compares: Non-Finnish European, 0.000085%; no homozygotes.

Submission:

Ambry Genetics
Classification: Uncertain significance. Last evaluated: 2024-05-02. Review status: criteria provided, single submitter. Criteria: Ambry Variant Classification Scheme 2023. Collection method: clinical testing. Allele origin: germline.
Comment: The p.E1378G variant (also known as c.4133A>G), located in coding exon 4 of the ALPK2 gene, results from an A to G substitution at nucleotide position 4133. The glutamic acid at codon 1378 is replaced by glycine, an amino acid with similar properties. This amino acid position is conserved. In addition, this alteration is predicted to be tolerated by in silico analysis. Based on the available evidence, the clinical significance of this variant remains unclear.